The following is an entry in ClinVar:

NM_001365536.1(SCN9A):c.2141G>A (p.Trp714Ter)

Genes: SCN9A (sodium voltage-gated channel alpha subunit 9; minus strand), SCN1A-AS1 (SCN1A and SCN9A antisense RNA 1; plus strand). Cytogenetic location: 2q24.3.
Variant type: single nucleotide variant.
Coding change: c.2141G>A on transcript NM_001365536.1 (MANE Select); coding-DNA position 2141, G replaced by A.
Protein change: p.Trp714Ter; replaces tryptophan 714 with a stop codon.
Molecular consequence: nonsense.
Genome position (GRCh38, 1-based): chr2:166,280,559, C>T on the plus strand (G>A on the coding strand, the complement: SCN9A is on the minus strand). VCF-style: chr2-166280559-C-T. GRCh37 (hg19) VCF-style: chr2-167137069-C-T.
Other names: c.2108G>A, p.Trp703Ter (NM_002977.4); short protein forms W703*, W714*.
Identifiers: ClinVar variation 373040 (VCV000373040.8), dbSNP rs1057518162, ClinGen allele CA16042407.

ClinVar aggregate classification (germline): Pathogenic. Review status: criteria provided, multiple submitters, no conflicts (2 of 4 stars). 2 submissions from 2 submitters: Pathogenic (2). Last evaluated 2023-12-12.

Conditions:
Generalized epilepsy with febrile seizures plus, type 7 (GEFSP7). Also called: GEFS+, TYPE 7. Identifiers: Orphanet 36387, MedGen C2751778, MONDO:0013470, OMIM 613863.
Neuropathy, hereditary sensory and autonomic, type 2A (HSAN2A). Also called: ACROOSTEOLYSIS, GIACCAI TYPE; ACROOSTEOLYSIS, NEUROGENIC; MORVAN DISEASE; HSAN IIA; NEUROPATHY, CONGENITAL SENSORY; NEUROPATHY, HEREDITARY SENSORY RADICULAR, AUTOSOMAL RECESSIVE. Identifiers: Orphanet 970, MedGen C2752089, MONDO:0024309, OMIM 201300.

Allele frequency attached by ClinVar (database versions not stated): gnomAD exomes below 0.00001.

Submissions (2):

Labcorp Genetics (formerly Invitae), Labcorp
Classification: Pathogenic for Neuropathy, hereditary sensory and autonomic, type 2A; Generalized epilepsy with febrile seizures plus, type 7. Last evaluated: 2023-12-12. Review status: criteria provided, single submitter. Criteria: Invitae Variant Classification Sherloc (09022015). Collection method: clinical testing. Allele origin: germline.
Comment: This sequence change creates a premature translational stop signal (p.Trp703*) in the SCN9A gene. It is expected to result in an absent or disrupted protein product. Loss-of-function variants in SCN9A are known to be pathogenic (PMID: 17470132, 19304393). This variant is not present in population databases (gnomAD no frequency). This variant has not been reported in the literature in individuals affected with SCN9A-related conditions. ClinVar contains an entry for this variant (Variation ID: 373040). For these reasons, this variant has been classified as Pathogenic.

GeneDx
Classification: Pathogenic. Last evaluated: 2016-10-21. Review status: criteria provided, single submitter. Criteria: GeneDx Variant Classification (06012015). Collection method: clinical testing. Allele origin: germline. Affected: yes.
Comment: The W703X pathogenic variant in the SCN9A gene has not been reported previously as a pathogenic variant nor as a benign variant, to our knowledge. This variant is predicted to cause loss of normal protein function either through protein truncation or nonsense-mediated mRNA decay. The W703X variant was not observed in approximately 5900 individuals of European and African American ancestry in the NHLBI Exome Sequencing Project, indicating it is not a common benign variant in these populations. We interpret W703X as a pathogenic variant.

Literature cited by the submitters: PubMed 17470132 (cited by Labcorp Genetics (formerly Invitae), Labcorp); PubMed 19304393 (cited by Labcorp Genetics (formerly Invitae), Labcorp).